The following is an entry in ClinVar:

ClinVar aggregate classification (germline): Likely benign. Review status: criteria provided, single submitter (1 of 4 stars). 2 submissions from 2 submitters: Likely benign (1). 1 of the submissions does not count toward it. Last evaluated 2018-08-05.

Conditions:
NOS1-related disorder. Also called: NOS1-related condition.

Allele frequency attached by ClinVar (database versions not stated): ExAC 0.00013; gnomAD exomes 0.00013 and 0.00038; gnomAD 0.00014; TOPMed 0.00015; ESP Exome Variant Server 0.00017.
gnomAD v4.1: 584 of 1,614,112 alleles (0.036%); highest among the groups gnomAD compares: Non-Finnish European, 0.047%; 1 homozygote.

Submissions (2):

Labcorp Genetics (formerly Invitae), Labcorp
Classification: Likely benign. Last evaluated: 2018-08-05. Review status: criteria provided, single submitter. Criteria: Invitae Variant Classification Sherloc (09022015). Collection method: clinical testing. Allele origin: germline.

PreventionGenetics, part of Exact Sciences
Classification: Likely benign for NOS1-related condition. Last evaluated: 2019-03-18. Review status: no assertion criteria provided. Collection method: clinical testing. Allele origin: germline. Not counted in ClinVar's aggregate classification.
Comment: This variant is classified as likely benign based on ACMG/AMP sequence variant interpretation guidelines (Richards et al. 2015 PMID: 25741868, with internal and published modifications).

NM_000620.5(NOS1):c.1107A>G (p.Gln369=)

Gene: NOS1 (nitric oxide synthase 1; minus strand). Cytogenetic location: 12q24.22.
Variant type: single nucleotide variant.
Coding change: c.1107A>G on transcript NM_000620.5 (MANE Select); coding-DNA position 1107, A replaced by G.
Protein change: p.Gln369=; no amino-acid change (glutamine 369 retained).
Molecular consequence: synonymous variant.
Genome position (GRCh38, 1-based): chr12:117,288,094, T>C on the plus strand (A>G on the coding strand, the complement: NOS1 is on the minus strand). VCF-style: chr12-117288094-T-C. GRCh37 (hg19) VCF-style: chr12-117725899-T-C.
Other names: c.99A>G, p.Gln33= (NM_001204213.2, NM_001204214.2); c.1107A>G, p.Gln369= (NM_001204218.2); c.1107A>G (NM_001204218.1).
Identifiers: ClinVar variation 749301 (VCV000749301.5), dbSNP rs71653610, ClinGen allele CA6815251.